The following is an entry in ClinVar:

ClinVar aggregate classification (germline): Uncertain significance. Review status: criteria provided, multiple submitters, no conflicts (2 of 4 stars). 2 submissions from 2 submitters: Uncertain significance (2). Last evaluated 2025-12-08.

Conditions:
Inborn genetic diseases. Identifiers: MedGen C0950123, MeSH D030342.

Allele frequency attached by ClinVar (database versions not stated): gnomAD exomes below 0.00001.
gnomAD v4.1: 1 of 1,614,034 alleles (0.000062%); highest among the groups gnomAD compares: Non-Finnish European, 0.000085%; no homozygotes.

Submissions (2):

Labcorp Genetics (formerly Invitae), Labcorp
Classification: Uncertain significance. Last evaluated: 2025-12-08. Review status: criteria provided, single submitter. Criteria: Invitae Variant Classification Sherloc (09022015). Collection method: clinical testing. Allele origin: germline.
Comment: This sequence change replaces aspartic acid, which is acidic and polar, with histidine, which is basic and polar, at codon 126 of the TMEM199 protein (p.Asp126His). This variant is not present in population databases (gnomAD no frequency). This variant has not been reported in the literature in individuals affected with TMEM199-related conditions. ClinVar contains an entry for this variant (Variation ID: 1443278). An algorithm developed to predict the effect of missense changes on protein structure and function (PolyPhen-2) suggests that this variant is likely to be tolerated. In summary, the available evidence is currently insufficient to determine the role of this variant in disease. Therefore, it has been classified as a Variant of Uncertain Significance.

Ambry Genetics
Classification: Uncertain significance for Inborn genetic diseases. Last evaluated: 2022-05-04. Review status: criteria provided, single submitter. Criteria: Ambry Variant Classification Scheme 2023. Collection method: clinical testing. Allele origin: germline.

NM_152464.3(VMA12):c.376G>C (p.Asp126His)

Gene: VMA12 (vacuolar ATPase assembly factor VMA12; plus strand). Cytogenetic location: 17q11.2.
Variant type: single nucleotide variant.
Coding change: c.376G>C on transcript NM_152464.3 (MANE Select); coding-DNA position 376, G replaced by C.
Protein change: p.Asp126His; replaces aspartic acid 126 with histidine.
Molecular consequence: missense variant.
Genome position (GRCh38, 1-based): chr17:28,360,529, G>C. VCF-style: chr17-28360529-G-C. GRCh37 (hg19) VCF-style: chr17-26687552-G-C.
Other names: c.376G>C (NM_152464.1); short protein forms D126H.
Identifiers: ClinVar variation 1443278 (VCV001443278.7), dbSNP rs1036832204, ClinGen allele CA289090244.